The following is an entry in ClinVar:

ClinVar aggregate classification (germline): Uncertain significance (1 of 4 stars; one submission).

Conditions:
Cardiomyopathy (CMYO). Also called: Cardiomyopathies. Identifiers: Orphanet 167848, MedGen C0878544, MONDO:0004994, HP:0001638. Inheritance: Various modes of inheritance.

Submission:

All of Us Research Program, National Institutes of Health
Classification: Uncertain significance for Cardiomyopathy. Last evaluated: 2023-04-27. Review status: criteria provided, single submitter. Criteria: ACMG Guidelines, 2015. Collection method: clinical testing. Allele origin: germline. Inheritance: Autosomal dominant inheritance. Observed: 1 variant allele, 1 heterozygote.
Comment: This study involves interpretation of variants in research participants for the purpose of population health screening. Participant phenotype was not available at the time of variant classification. Additional details can be found in publication PMID: 35346344, PMCID: PMC8962531

NM_000257.4(MYH7):c.3677T>G (p.Leu1226Arg)

Gene: MYH7 (myosin heavy chain 7; minus strand). Cytogenetic location: 14q11.2.
Variant type: single nucleotide variant.
Coding change: c.3677T>G on transcript NM_000257.4 (MANE Select); coding-DNA position 3677, T replaced by G.
Protein change: p.Leu1226Arg; replaces leucine 1226 with arginine.
Molecular consequence: missense variant.
Genome position (GRCh38, 1-based): chr14:23,419,894, A>C on the plus strand (T>G on the coding strand, the complement: MYH7 is on the minus strand). VCF-style: chr14-23419894-A-C. GRCh37 (hg19) VCF-style: chr14-23889103-A-C.
Other names: c.3677T>G, p.Leu1226Arg (NM_001407004.1); short protein forms L1226R.
Identifiers: ClinVar variation 3070619 (VCV003070619.1), dbSNP rs2138653468, ClinGen allele CA389043069.